The following is an entry in ClinVar:

NM_001077365.2(POMT1):c.1193C>T (p.Pro398Leu)

Gene: POMT1 (protein O-mannosyltransferase 1; plus strand). Cytogenetic location: 9q34.13.
Variant type: single nucleotide variant.
Coding change: c.1193C>T on transcript NM_001077365.2 (MANE Select); coding-DNA position 1193, C replaced by T.
Protein change: p.Pro398Leu; replaces proline 398 with leucine.
Molecular consequence: missense variant. On other transcripts: non-coding transcript variant (10).
Genome position (GRCh38, 1-based): chr9:131,515,443, C>T. VCF-style: chr9-131515443-C-T. GRCh37 (hg19) VCF-style: chr9-134390830-C-T.
Other names: c.1031C>T, p.Pro344Leu (NM_001077366.2, NM_001353194.2); c.1193C>T, p.Pro398Leu (NM_001136113.2, NM_001374690.1); c.842C>T, p.Pro281Leu (NM_001136114.2, NM_001353195.2, NM_001374691.1 and 2 more transcripts); c.1259C>T, p.Pro420Leu (NM_001353193.2, NM_007171.4); c.1103C>T, p.Pro368Leu (NM_001353196.2); c.1097C>T, p.Pro366Leu (NM_001353197.2, NM_001353198.2); c.908C>T, p.Pro303Leu (NM_001353199.2); c.737C>T, p.Pro246Leu (NM_001353200.2); and 2 more; short protein forms P420L, P281L, P398L, P303L, P344L, P366L, P246L, P368L.
Identifiers: ClinVar variation 471373 (VCV000471373.7), dbSNP rs776388419, ClinGen allele CA5293577.

ClinVar aggregate classification (germline): Uncertain significance (1 of 4 stars; one submission).

Conditions:
Autosomal recessive limb-girdle muscular dystrophy type 2K. Also called: MUSCULAR DYSTROPHY-DYSTROGLYCANOPATHY (LIMB-GIRDLE), TYPE C, 1; MUSCULAR DYSTROPHY, LIMB-GIRDLE, TYPE 2K. Identifiers: Orphanet 86812, MedGen C1836373, MONDO:0012248, OMIM 609308.
Muscular dystrophy-dystroglycanopathy (congenital with impaired intellectual development), type B, 1. Also called: Muscular dystrophy-dystroglycanopathy (congenital with intellectual disability), type B1; MUSCULAR DYSTROPHY, CONGENITAL, POMT1-RELATED. Identifiers: MedGen C5436962, MONDO:0013159, OMIM 613155.
Walker-Warburg congenital muscular dystrophy. Also called: Muscular dystrophy-dystroglycanopathy, type A; Walker-Warburg syndrome. Identifiers: Orphanet 899, MedGen C0265221, MONDO:0000171.

Allele frequency attached by ClinVar (database versions not stated): ExAC 0.00002; gnomAD exomes 0.00001.

Submission:

Labcorp Genetics (formerly Invitae), Labcorp
Classification: Uncertain significance for Muscular dystrophy-dystroglycanopathy (congenital with impaired intellectual development), type B, 1; Walker-Warburg congenital muscular dystrophy; Autosomal recessive limb-girdle muscular dystrophy type 2K. Last evaluated: 2022-06-11. Review status: criteria provided, single submitter. Criteria: Invitae Variant Classification Sherloc (09022015). Collection method: clinical testing. Allele origin: germline.
Comment: This sequence change replaces proline, which is neutral and non-polar, with leucine, which is neutral and non-polar, at codon 420 of the POMT1 protein (p.Pro420Leu). This variant is present in population databases (rs776388419, gnomAD 0.003%). This missense change has been observed in individual(s) with autosomal recessive muscular dystrophy-dystroglycanopathy (PMID: 33146414; Invitae). In at least one individual the data is consistent with being in trans (on the opposite chromosome) from a pathogenic variant. ClinVar contains an entry for this variant (Variation ID: 471373). Algorithms developed to predict the effect of missense changes on protein structure and function are either unavailable or do not agree on the potential impact of this missense change (SIFT: "Tolerated"; PolyPhen-2: "Probably Damaging"; Align-GVGD: "Class C0"). In summary, the available evidence is currently insufficient to determine the role of this variant in disease. Therefore, it has been classified as a Variant of Uncertain Significance.

Literature cited by the submitters: PubMed 33146414.